The following is an entry in ClinVar:

NM_015693.4(INTU):c.2787C>T (p.Ala929=)

Gene: INTU (inturned planar cell polarity protein; plus strand). Cytogenetic location: 4q28.1.
Variant type: single nucleotide variant.
Coding change: c.2787C>T on transcript NM_015693.4 (MANE Select); coding-DNA position 2787, C replaced by T.
Protein change: p.Ala929=; no amino-acid change (alanine 929 retained).
Molecular consequence: synonymous variant.
Genome position (GRCh38, 1-based): chr4:127,716,394, C>T. VCF-style: chr4-127716394-C-T. GRCh37 (hg19) VCF-style: chr4-128637549-C-T.
Other names: c.2787C>T (NM_015693.3).
Identifiers: ClinVar variation 1423527 (VCV001423527.11), dbSNP rs147854962, ClinGen allele CA3075415.

ClinVar aggregate classification (germline): Benign/Likely benign. Review status: criteria provided, multiple submitters, no conflicts (2 of 4 stars). 3 submissions from 3 submitters: Benign (1); Likely benign (1). 1 of the submissions does not count toward it. Last evaluated 2026-01-22.

Conditions:
INTU-related disorder. Also called: INTU-related condition.

Allele frequency attached by ClinVar (database versions not stated): gnomAD exomes 0.00032 and 0.00035; TOPMed 0.00032; ExAC 0.00038; gnomAD 0.00038 and 0.00041; ESP Exome Variant Server 0.00054.
gnomAD v4.1: 557 of 1,591,190 alleles (0.035%); highest among the groups gnomAD compares: Non-Finnish European, 0.044%; no homozygotes.

Submissions (3):

Labcorp Genetics (formerly Invitae), Labcorp
Classification: Likely benign. Last evaluated: 2026-01-22. Review status: criteria provided, single submitter. Criteria: Invitae Variant Classification Sherloc (09022015). Collection method: clinical testing. Allele origin: germline.

Laboratory of Genetics, Children's Clinical University Hospital Latvia
Classification: Benign. Last evaluated: 2025-02-16. Review status: criteria provided, single submitter. Criteria: ACMG Guidelines, 2015. Collection method: clinical testing. Allele origin: germline. Affected: yes.

PreventionGenetics, part of Exact Sciences
Classification: Likely benign for INTU-related condition. Last evaluated: 2019-07-10. Review status: no assertion criteria provided. Collection method: clinical testing. Allele origin: germline. Not counted in ClinVar's aggregate classification.
Comment: This variant is classified as likely benign based on ACMG/AMP sequence variant interpretation guidelines (Richards et al. 2015 PMID: 25741868, with internal and published modifications).